The following is an entry in ClinVar:

ClinVar aggregate classification (germline): Uncertain significance (1 of 4 stars; one submission).

Conditions:
Hyperaldosteronism, familial, type IV (HALD4). Also called: FH IV; ALDOSTERONISM, PRIMARY, AND HYPERTENSION. Identifiers: Orphanet 642671, MedGen C4310756, MONDO:0014875, OMIM 617027.
Idiopathic generalized epilepsy. Also called: Generalised epilepsy; EIG. Identifiers: MedGen C0270850, MONDO:0005579, OMIM 600669.

gnomAD v4.1: 5 of 1,436,082 alleles (0.00035%); highest among the groups gnomAD compares: African/African-American, 0.0045%; no homozygotes.

Submission:

Labcorp Genetics (formerly Invitae), Labcorp
Classification: Uncertain significance for Idiopathic generalized epilepsy; Hyperaldosteronism, familial, type IV. Last evaluated: 2025-04-29. Review status: criteria provided, single submitter. Criteria: Invitae Variant Classification Sherloc (09022015). Collection method: clinical testing. Allele origin: germline.
Comment: This sequence change replaces proline, which is neutral and non-polar, with serine, which is neutral and polar, at codon 50 of the CACNA1H protein (p.Pro50Ser). This variant is not present in population databases (gnomAD no frequency). This variant has not been reported in the literature in individuals affected with CACNA1H-related conditions. ClinVar contains an entry for this variant (Variation ID: 1433668). Invitae Evidence Modeling of protein sequence and biophysical properties (such as structural, functional, and spatial information, amino acid conservation, physicochemical variation, residue mobility, and thermodynamic stability) indicates that this missense variant is not expected to disrupt CACNA1H protein function with a negative predictive value of 95%. In summary, the available evidence is currently insufficient to determine the role of this variant in disease. Therefore, it has been classified as a Variant of Uncertain Significance.

NM_021098.3(CACNA1H):c.148C>T (p.Pro50Ser)

Gene: CACNA1H (calcium voltage-gated channel subunit alpha1 H; plus strand). Cytogenetic location: 16p13.3.
Variant type: single nucleotide variant.
Coding change: c.148C>T on transcript NM_021098.3 (MANE Select); coding-DNA position 148, C replaced by T.
Protein change: p.Pro50Ser; replaces proline 50 with serine.
Molecular consequence: missense variant.
Genome position (GRCh38, 1-based): chr16:1,153,885, C>T. VCF-style: chr16-1153885-C-T. GRCh37 (hg19) VCF-style: chr16-1203885-C-T.
Other names: c.148C>T, p.Pro50Ser (NM_001005407.2); short protein forms P50S.
Identifiers: ClinVar variation 1433668 (VCV001433668.8), dbSNP rs1208126657, ClinGen allele CA394145672.